The following is an entry in ClinVar:

NM_205836.3(FBXO38):c.2467G>C (p.Gly823Arg)

Gene: FBXO38 (F-box protein 38; plus strand). Cytogenetic location: 5q32.
Variant type: single nucleotide variant.
Coding change: c.2467G>C on transcript NM_205836.3 (MANE Select); coding-DNA position 2467, G replaced by C.
Protein change: p.Gly823Arg; replaces glycine 823 with arginine.
Molecular consequence: missense variant. On other transcripts: intron variant (2).
Genome position (GRCh38, 1-based): chr5:148,427,761, G>C. VCF-style: chr5-148427761-G-C. GRCh37 (hg19) VCF-style: chr5-147807324-G-C.
Other names: c.2428+39G>C (NM_030793.5); c.1918+2060G>C (NM_001271723.2); short protein forms G823R.
Identifiers: ClinVar variation 1791706 (VCV001791706.2), dbSNP rs769690867, ClinGen allele CA128950247.

ClinVar aggregate classification (germline): Uncertain significance (1 of 4 stars; one submission).

Allele frequency attached by ClinVar (database versions not stated): TOPMed below 0.00001.
gnomAD v4.1: 8 of 1,612,294 alleles (0.0005%); highest among the groups gnomAD compares: Non-Finnish European, 0.00068%; no homozygotes.

Submission:

Ambry Genetics
Classification: Uncertain significance. Last evaluated: 2019-10-15. Review status: criteria provided, single submitter. Criteria: Ambry Variant Classification Scheme 2023. Collection method: clinical testing. Allele origin: germline.
Comment: The p.G823R variant (also known as c.2467G>C), located in coding exon 14 of the FBXO38 gene, results from a G to C substitution at nucleotide position 2467. The glycine at codon 823 is replaced by arginine, an amino acid with dissimilar properties. This amino acid position is not well conserved in available vertebrate species. In addition, this alteration is predicted to be tolerated by in silico analysis. Since supporting evidence is limited at this time, the clinical significance of this alteration remains unclear.